The following is an entry in ClinVar:

ClinVar aggregate classification (germline): Uncertain significance. Review status: criteria provided, multiple submitters, no conflicts (2 of 4 stars). 2 submissions from 2 submitters: Uncertain significance (2). Last evaluated 2024-04-25.

Conditions:
Progressive sclerosing poliodystrophy (MTDPS4A). Also called: NEURONAL DEGENERATION OF CHILDHOOD WITH LIVER DISEASE, PROGRESSIVE; Alpers Syndrome; ALPERS DIFFUSE DEGENERATION OF CEREBRAL GRAY MATTER WITH HEPATIC CIRRHOSIS; Alpers-Huttenlocher Syndrome; Mitochondrial DNA depletion syndrome 4A (Alpers type); Mitochondrial DNA Depletion Syndrome 4A. Identifiers: Orphanet 726, MedGen C0205710, MONDO:0008758, OMIM 203700.

Allele frequency attached by ClinVar (database versions not stated): gnomAD 0.00001; 1000 Genomes Project 30x 0.00016; 1000 Genomes Project 0.00020.

Submissions (2):

Mayo Clinic Laboratories, Mayo Clinic
Classification: Uncertain significance. Last evaluated: 2024-04-25. Review status: criteria provided, single submitter. Criteria: ACMG Guidelines, 2015. Collection method: clinical testing. Allele origin: germline. Observed: 1 variant allele.
Comment: PM2

Labcorp Genetics (formerly Invitae), Labcorp
Classification: Uncertain significance for Progressive sclerosing poliodystrophy. Last evaluated: 2022-08-16. Review status: criteria provided, single submitter. Criteria: Invitae Variant Classification Sherloc (09022015). Collection method: clinical testing. Allele origin: germline.
Comment: This sequence change replaces proline, which is neutral and non-polar, with leucine, which is neutral and non-polar, at codon 1237 of the POLG protein (p.Pro1237Leu). This variant is not present in population databases (gnomAD no frequency). This variant has not been reported in the literature in individuals affected with POLG-related conditions. ClinVar contains an entry for this variant (Variation ID: 1353105). Algorithms developed to predict the effect of missense changes on protein structure and function (SIFT, PolyPhen-2, Align-GVGD) all suggest that this variant is likely to be tolerated. In summary, the available evidence is currently insufficient to determine the role of this variant in disease. Therefore, it has been classified as a Variant of Uncertain Significance.

Literature cited by the submitters: PubMed 28958595 (cited by Mayo Clinic Laboratories, Mayo Clinic).

NM_002693.3(POLG):c.3710C>T (p.Pro1237Leu)

Genes: FANCI (FA complementation group I; plus strand), POLG (DNA polymerase gamma, catalytic subunit; minus strand). Cytogenetic location: 15q26.1.
Variant type: single nucleotide variant.
Coding change: c.3710C>T on transcript NM_002693.3 (MANE Select); coding-DNA position 3710, C replaced by T.
Protein change: p.Pro1237Leu; replaces proline 1237 with leucine.
Molecular consequence: missense variant. On other transcripts: 3 prime UTR variant (4).
Genome position (GRCh38, 1-based): chr15:89,316,761, G>A on the plus strand (C>T on the coding strand, the complement: POLG is on the minus strand). VCF-style: chr15-89316761-G-A. GRCh37 (hg19) VCF-style: chr15-89859992-G-A.
Other names: p.Pro1237Leu; c.3710C>T, p.Pro1237Leu (NM_001126131.2); c.*302G>A (NM_001113378.2, NM_001376910.1, NM_001376911.1 and 1 more transcripts); short protein forms P1237L.
Identifiers: ClinVar variation 1353105 (VCV001353105.6), dbSNP rs200788482, ClinGen allele CA274538376.